The following is an entry in ClinVar:

ClinVar aggregate classification (germline): Uncertain significance. Review status: criteria provided, multiple submitters, no conflicts (2 of 4 stars). 3 submissions from 3 submitters: Uncertain significance (3). Last evaluated 2022-10-27.

Conditions:
Hereditary spastic paraplegia 28. Also called: Spastic paraplegia 28, autosomal recessive. Identifiers: Orphanet 101008, MedGen C1836295, MONDO:0012256, OMIM 609340.

Allele frequency attached by ClinVar (database versions not stated): gnomAD 0.00001; gnomAD exomes 0.00001 and 0.00004; TOPMed 0.00001.
gnomAD v4.1: 57 of 1,607,662 alleles (0.0035%); highest among the groups gnomAD compares: Non-Finnish European, 0.0047%; no homozygotes.

Submissions (3):

Mayo Clinic Laboratories, Mayo Clinic
Classification: Uncertain significance. Last evaluated: 2022-10-27. Review status: criteria provided, single submitter. Criteria: ACMG Guidelines, 2015. Collection method: clinical testing. Allele origin: germline. Observed: 1 variant allele.
Comment: BP4, PM2

GeneDx
Classification: Uncertain significance. Last evaluated: 2022-05-21. Review status: criteria provided, single submitter. Criteria: GeneDx Variant Classification Process June 2021. Collection method: clinical testing. Allele origin: germline. Affected: yes.
Comment: Not observed at significant frequency in large population cohorts (gnomAD); In silico analysis supports that this missense variant does not alter protein structure/function; Has not been previously published as pathogenic or benign to our knowledge

Labcorp Genetics (formerly Invitae), Labcorp
Classification: Uncertain significance for Hereditary spastic paraplegia 28. Last evaluated: 2021-08-31. Review status: criteria provided, single submitter. Criteria: Invitae Variant Classification Sherloc (09022015). Collection method: clinical testing. Allele origin: germline.
Comment: This sequence change replaces glutamic acid with lysine at codon 62 of the DDHD1 protein (p.Glu62Lys). The glutamic acid residue is weakly conserved and there is a small physicochemical difference between glutamic acid and lysine. This variant is not present in population databases (ExAC no frequency). This variant has not been reported in the literature in individuals affected with DDHD1-related conditions. Algorithms developed to predict the effect of missense changes on protein structure and function (SIFT, PolyPhen-2, Align-GVGD) all suggest that this variant is likely to be tolerated. In summary, the available evidence is currently insufficient to determine the role of this variant in disease. Therefore, it has been classified as a Variant of Uncertain Significance.

NM_001160148.2(DDHD1):c.184G>A (p.Glu62Lys)

Gene: DDHD1 (DDHD domain containing 1; minus strand). Cytogenetic location: 14q22.1.
Variant type: single nucleotide variant.
Coding change: c.184G>A on transcript NM_001160148.2 (MANE Select); coding-DNA position 184, G replaced by A.
Protein change: p.Glu62Lys; replaces glutamic acid 62 with lysine.
Molecular consequence: missense variant.
Genome position (GRCh38, 1-based): chr14:53,152,915, C>T on the plus strand (G>A on the coding strand, the complement: DDHD1 is on the minus strand). VCF-style: chr14-53152915-C-T. GRCh37 (hg19) VCF-style: chr14-53619633-C-T.
Other names: p.Glu62Lys; c.184G>A, p.Glu62Lys (NM_001160147.2, NM_030637.3); short protein forms E62K.
Identifiers: ClinVar variation 664302 (VCV000664302.7), dbSNP rs1370611484, ClinGen allele CA389781500.